The following is an entry in ClinVar:

ClinVar aggregate classification (germline): Uncertain significance (0 of 4 stars; one submission).

Conditions:
PLXNA3-related disorder. Also called: PLXNA3-related condition.

gnomAD v4.1: 2 of 1,210,553 alleles (0.00017%); highest among the groups gnomAD compares: African/African-American, 0.0035%; no homozygotes.

Submission:

PreventionGenetics, part of Exact Sciences
Classification: Uncertain significance for PLXNA3-related condition. Last evaluated: 2024-02-21. Review status: no assertion criteria provided. Collection method: clinical testing. Allele origin: germline.
Comment: The PLXNA3 c.3157G>A variant is predicted to result in the amino acid substitution p.Glu1053Lys. To our knowledge, this variant has not been reported in the literature. This variant is reported in 0.0077% of alleles in individuals of African descent in gnomAD. At this time, the clinical significance of this variant is uncertain due to the absence of conclusive functional and genetic evidence.

NM_017514.5(PLXNA3):c.3157G>A (p.Glu1053Lys)

Gene: PLXNA3 (plexin A3; plus strand). Cytogenetic location: Xq28.
Variant type: single nucleotide variant.
Coding change: c.3157G>A on transcript NM_017514.5 (MANE Select); coding-DNA position 3157, G replaced by A.
Protein change: p.Glu1053Lys; replaces glutamic acid 1053 with lysine.
Molecular consequence: missense variant.
Genome position (GRCh38, 1-based): chrX:154,467,106, G>A. VCF-style: chrX-154467106-G-A. GRCh37 (hg19) VCF-style: chrX-153695449-G-A.
Other names: short protein forms E1053K.
Identifiers: ClinVar variation 3348525 (VCV003348525.1).